The following is an entry in ClinVar:

ClinVar aggregate classification (germline): Pathogenic (1 of 4 stars; one submission).

Conditions:
Multiple gastrointestinal atresias. Also called: FAMILIAL INTESTINAL POLYATRESIA SYNDROME; Multiple intestinal atresia. Identifiers: Orphanet 2300, MedGen C0220744, MONDO:0009465.

Allele frequency attached by ClinVar (database versions not stated): gnomAD exomes below 0.00001; gnomAD 0.00003 and 0.00004; TOPMed 0.00003.

Submission:

Labcorp Genetics (formerly Invitae), Labcorp
Classification: Pathogenic for Multiple gastrointestinal atresias. Last evaluated: 2025-11-03. Review status: criteria provided, single submitter. Criteria: Invitae Variant Classification Sherloc (09022015). Collection method: clinical testing. Allele origin: germline.
Comment: This sequence change creates a premature translational stop signal (p.Glu595Alafs*7) in the TTC7A gene. It is expected to result in an absent or disrupted protein product. Loss-of-function variants in TTC7A are known to be pathogenic (PMID: 23830146, 24292712). This variant is not present in population databases (gnomAD no frequency). This variant has not been reported in the literature in individuals affected with TTC7A-related conditions. ClinVar contains an entry for this variant (Variation ID: 1460133). For these reasons, this variant has been classified as Pathogenic.

Literature cited by the submitters: PubMed 23830146; PubMed 24292712.

NM_020458.4(TTC7A):c.1784_1787del (p.Glu595fs)

Gene: TTC7A (tetratricopeptide repeat domain 7A; plus strand). Cytogenetic location: 2p21.
Variant type: Deletion.
Coding change: c.1784_1787del on transcript NM_020458.4 (MANE Select); coding-DNA positions 1784 to 1787, 4 bases deleted (AGCA; older notation c.1784_1787delAGCA).
Protein change: p.Glu595fs; shifts the reading frame from glutamic acid 595.
Molecular consequence: frameshift variant.
Genome position (GRCh38, 1-based): chr2:47,029,366-47,029,369, AGCA deleted. VCF-style (leftmost placement, unchanged base first): chr2-47029365-GAGCA-G. GRCh37 (hg19) VCF-style: chr2-47256504-GAGCA-G.
Other names: c.1784_1787del, p.Glu595fs (NM_001288951.2); c.1682_1685del, p.Glu561fs (NM_001288953.2); c.722_725del, p.Glu241fs (NM_001288955.2); short protein forms E561fs, E241fs, E595fs.
Identifiers: ClinVar variation 1460133 (VCV001460133.6), dbSNP rs1300446486, ClinGen allele CA769420392.